The following is an entry in ClinVar:

NM_006939.4(SOS2):c.2277T>G (p.Ile759Met)

Gene: SOS2 (SOS Ras/Rho guanine nucleotide exchange factor 2; minus strand). Cytogenetic location: 14q21.3.
Variant type: single nucleotide variant.
Coding change: c.2277T>G on transcript NM_006939.4 (MANE Select); coding-DNA position 2277, T replaced by G.
Protein change: p.Ile759Met; replaces isoleucine 759 with methionine.
Molecular consequence: missense variant.
Genome position (GRCh38, 1-based): chr14:50,150,115, A>C on the plus strand (T>G on the coding strand, the complement: SOS2 is on the minus strand). VCF-style: chr14-50150115-A-C. GRCh37 (hg19) VCF-style: chr14-50616833-A-C.
Other names: c.2178T>G, p.Ile726Met (NM_001411020.1); short protein forms I759M, I726M.
Identifiers: ClinVar variation 2448246 (VCV002448246.4), dbSNP rs771910628, ClinGen allele CA7177077.

ClinVar aggregate classification (germline): Uncertain significance. Review status: criteria provided, multiple submitters, no conflicts (2 of 4 stars). 3 submissions from 3 submitters: Uncertain significance (3). Last evaluated 2025-05-14.

Conditions:
Cardiovascular phenotype. Identifiers: MedGen CN230736.
Noonan syndrome 9 (NS9). Identifiers: Orphanet 648, MedGen C4225282, MONDO:0014691, OMIM 616559.

Allele frequency attached by ClinVar (database versions not stated): ExAC 0.00002; gnomAD exomes 0.00002.
gnomAD v4.1: 35 of 1,613,596 alleles (0.0022%); highest among the groups gnomAD compares: Non-Finnish European, 0.003%; no homozygotes.

Submissions (3):

Labcorp Genetics (formerly Invitae), Labcorp
Classification: Uncertain significance for Noonan syndrome 9. Last evaluated: 2025-05-14. Review status: criteria provided, single submitter. Criteria: Invitae Variant Classification Sherloc (09022015). Collection method: clinical testing. Allele origin: germline.
Comment: This sequence change replaces isoleucine, which is neutral and non-polar, with methionine, which is neutral and non-polar, at codon 759 of the SOS2 protein (p.Ile759Met). This variant is present in population databases (rs771910628, gnomAD 0.002%). This variant has not been reported in the literature in individuals affected with SOS2-related conditions. ClinVar contains an entry for this variant (Variation ID: 2448246). Invitae Evidence Modeling of protein sequence and biophysical properties (such as structural, functional, and spatial information, amino acid conservation, physicochemical variation, residue mobility, and thermodynamic stability) indicates that this missense variant is not expected to disrupt SOS2 protein function with a negative predictive value of 95%. In summary, the available evidence is currently insufficient to determine the role of this variant in disease. Therefore, it has been classified as a Variant of Uncertain Significance.

ARUP Laboratories, Molecular Genetics and Genomics, ARUP Laboratories
Classification: Uncertain significance for Noonan syndrome 9. Last evaluated: 2025-04-08. Review status: criteria provided, single submitter. Criteria: ARUP Molecular Germline Variant Investigation Process 2024. Collection method: clinical testing. Allele origin: germline.
Comment: The SOS2 c.2277T>G; p.Ile759Met variant (rs771910628), to our knowledge, is not reported in the medical literature but is reported in ClinVar (Variation ID: 2448246). This variant is only observed on two alleles in the Genome Aggregation Database (v2.1.1), indicating it is not a common polymorphism. Computational analyses predict that this variant is neutral (REVEL: 0.139). Due to limited information, the clinical significance of this variant is uncertain at this time.

Ambry Genetics
Classification: Uncertain significance for Cardiovascular phenotype. Last evaluated: 2022-12-09. Review status: criteria provided, single submitter. Criteria: Ambry Variant Classification Scheme 2023. Collection method: clinical testing. Allele origin: germline.
Comment: The p.I759M variant (also known as c.2277T>G), located in coding exon 14 of the SOS2 gene, results from a T to G substitution at nucleotide position 2277. The isoleucine at codon 759 is replaced by methionine, an amino acid with highly similar properties. This amino acid position is conserved. In addition, this alteration is predicted to be tolerated by in silico analysis. Since supporting evidence is limited at this time, the clinical significance of this alteration remains unclear.